The following is an entry in ClinVar:

ClinVar aggregate classification (germline): Pathogenic (1 of 4 stars; one submission).

Conditions:
Melnick-Fraser syndrome (BOR). Also called: Branchio-oto-renal syndrome; Branchiootorenal syndrome; Branchiootorenal Syndrome (BORS). Identifiers: Orphanet 107, MedGen C0265234, MONDO:0007029.

Submission:

Labcorp Genetics (formerly Invitae), Labcorp
Classification: Pathogenic for Melnick-Fraser syndrome. Last evaluated: 2020-07-16. Review status: criteria provided, single submitter. Criteria: Invitae Variant Classification Sherloc (09022015). Collection method: clinical testing. Allele origin: germline.
Comment: For these reasons, this variant has been classified as Pathogenic. This variant disrupts the C-terminus of the EYA1 protein. Other variant(s) that disrupt this region (p.Gln562*) have been determined to be pathogenic (Invitae). This suggests that variants that disrupt this region of the protein are likely to be causative of disease. This variant has been observed in individual(s) with clinical features of branchiootorenal spectrum disorders (PMID: 18220287). This variant is not present in population databases (ExAC no frequency). This sequence change results in a premature translational stop signal in the EYA1 gene (p.Val549Trpfs*6). While this is not anticipated to result in nonsense mediated decay, it is expected to disrupt the last 44 amino acids of the EYA1 protein.

Literature cited by the submitters: PubMed 18220287.

NM_000503.6(EYA1):c.1644del (p.Val549fs)

Gene: EYA1 (EYA transcriptional coactivator and phosphatase 1; minus strand). Cytogenetic location: 8q13.3.
Variant type: Deletion.
Coding change: c.1644del on transcript NM_000503.6 (MANE Select); coding-DNA position 1644, one base deleted (A; older notation c.1644delA).
Protein change: p.Val549fs; shifts the reading frame from valine 549.
Molecular consequence: frameshift variant.
Genome position (GRCh38, 1-based): chr8:71,211,210, T deleted on the plus strand (A on the coding strand, the reverse complement: EYA1 is on the minus strand); the first of 4 consecutive T bases (chr8:71,211,210-71,211,213); deleting any one gives the same sequence. VCF-style (leftmost placement, unchanged base first): chr8-71211209-CT-C. GRCh37 (hg19) VCF-style: chr8-72123444-CT-C.
Other names: c.1626del, p.Val543fs (NM_001288574.2, NM_172059.5); c.1278del, p.Val427fs (NM_001288575.2); c.1731del, p.Val578fs (NM_001370333.1); c.1644del, p.Val549fs (NM_001370334.1, NM_001370335.1, NM_172058.4); c.1623del, p.Val542fs (NM_001370336.1); short protein forms V427fs, V542fs, V543fs, V549fs, V578fs.
Identifiers: ClinVar variation 1069049 (VCV001069049.9), dbSNP rs2128835339, ClinGen allele CA2499219393.